The following is an entry in ClinVar:

ClinVar aggregate classification (germline): Uncertain significance (1 of 4 stars; one submission).

Conditions:
Dilated cardiomyopathy 1G (CMD1G). Identifiers: Orphanet 154, MedGen C1858763, MONDO:0011400, OMIM 604145.
Autosomal recessive limb-girdle muscular dystrophy type 2J (LGMDR10). Also called: Limb-girdle muscular dystrophy, type 2J; MUSCULAR DYSTROPHY, LIMB-GIRDLE, AUTOSOMAL RECESSIVE 10. Identifiers: Orphanet 140922, MedGen C1837342, MONDO:0012127, OMIM 608807.

Submission:

Labcorp Genetics (formerly Invitae), Labcorp
Classification: Uncertain significance for Dilated cardiomyopathy 1G; Autosomal recessive limb-girdle muscular dystrophy type 2J. Last evaluated: 2023-12-30. Review status: criteria provided, single submitter. Criteria: Invitae Variant Classification Sherloc (09022015). Collection method: clinical testing. Allele origin: germline.
Comment: This sequence change falls in intron 337 of the TTN gene. It does not directly change the encoded amino acid sequence of the TTN protein. It affects a nucleotide within the consensus splice site. This variant is not present in population databases (gnomAD no frequency). This variant has not been reported in the literature in individuals affected with TTN-related conditions. Variants that disrupt the consensus splice site are a relatively common cause of aberrant splicing (PMID: 17576681, 9536098). Algorithms developed to predict the effect of sequence changes on RNA splicing suggest that this variant may disrupt the consensus splice site. This variant is located in the A band of TTN (PMID: 25589632). Variants in this region may be relevant for cardiac or neuromuscular disorders (PMID: 25589632, 23975875). In summary, the available evidence is currently insufficient to determine the role of this variant in disease. Therefore, it has been classified as a Variant of Uncertain Significance.

Literature cited by the submitters: PubMed 17576681; PubMed 9536098; PubMed 25589632; PubMed 23975875.

NM_001267550.2(TTN):c.91852+3A>G

Genes: TTN (titin; minus strand), TTN-AS1 (TTN antisense RNA 1; plus strand). Cytogenetic location: 2q31.2.
Variant type: single nucleotide variant.
Coding change: c.91852+3A>G on transcript NM_001267550.2 (MANE Select); 3 bases into the intron after coding-DNA position 91852, A replaced by G.
Molecular consequence: intron variant.
Genome position (GRCh38, 1-based): chr2:178,549,983, T>C on the plus strand (A>G on the coding strand, the complement: TTN is on the minus strand). VCF-style: chr2-178549983-T-C. GRCh37 (hg19) VCF-style: chr2-179414710-T-C.
Other names: c.64657+3A>G (NM_003319.4); c.65233+3A>G (NM_133437.4); c.65032+3A>G (NM_133432.3); c.84148+3A>G (NM_133378.4); c.86929+3A>G (NM_001256850.1).
Identifiers: ClinVar variation 2939350 (VCV002939350.3), dbSNP rs2469185121, ClinGen allele CA430244589.